The following is an entry in ClinVar:

NM_004947.5(DOCK3):c.3753C>T (p.Ala1251=)

Gene: DOCK3 (dedicator of cytokinesis 3; plus strand). Cytogenetic location: 3p21.2.
Variant type: single nucleotide variant.
Coding change: c.3753C>T on transcript NM_004947.5 (MANE Select); coding-DNA position 3753, C replaced by T.
Protein change: p.Ala1251=; no amino-acid change (alanine 1251 retained).
Molecular consequence: synonymous variant.
Genome position (GRCh38, 1-based): chr3:51,339,015, C>T. VCF-style: chr3-51339015-C-T. GRCh37 (hg19) VCF-style: chr3-51376446-C-T.
Identifiers: ClinVar variation 3353016 (VCV003353016.2).

ClinVar aggregate classification (germline): Likely benign. Review status: criteria provided, single submitter (1 of 4 stars). 2 submissions from 2 submitters: Likely benign (1). 1 of the submissions does not count toward it. Last evaluated 2022-11-21.

Conditions:
DOCK3-related disorder. Also called: DOCK3-related condition.

gnomAD v4.1: 42 of 1,597,646 alleles (0.0026%); highest among the groups gnomAD compares: South Asian, 0.015%; no homozygotes.

Submissions (2):

Blueprint Genetics
Classification: Likely benign. Last evaluated: 2022-11-21. Review status: criteria provided, single submitter. Criteria: ACMG Guidelines, 2015. Collection method: clinical testing. Allele origin: germline.

PreventionGenetics, part of Exact Sciences
Classification: Likely benign for DOCK3-related condition. Last evaluated: 2019-03-06. Review status: no assertion criteria provided. Collection method: clinical testing. Allele origin: germline. Not counted in ClinVar's aggregate classification.
Comment: This variant is classified as likely benign based on ACMG/AMP sequence variant interpretation guidelines (Richards et al. 2015 PMID: 25741868, with internal and published modifications).